The following is an entry in ClinVar:

NM_014797.3(ZBTB24):c.396_397del (p.His132fs)

Gene: ZBTB24 (zinc finger and BTB domain containing 24; minus strand). Cytogenetic location: 6q21.
Variant type: Deletion.
Coding change: c.396_397del on transcript NM_014797.3 (MANE Select); coding-DNA positions 396 to 397, 2 bases deleted (TA; older notation c.396_397delTA).
Protein change: p.His132fs; shifts the reading frame from histidine 132.
Molecular consequence: frameshift variant.
Genome position (GRCh38, 1-based): chr6:109,481,630-109,481,631, TA deleted on the plus strand (TA on the coding strand, the reverse complement: ZBTB24 is on the minus strand); deleting any 2 consecutive bases within chr6:109,481,630-109,481,632 gives the same sequence; the c. name uses the placement nearest the transcript's 3' end. VCF-style (leftmost placement, unchanged base first): chr6-109481629-CTA-C. GRCh37 (hg19) VCF-style: chr6-109802832-CTA-C.
Other names: c.396_397delTA (NM_014797.2); c.396_397del, p.His132fs (NM_001164313.2); short protein forms H132fs.
Identifiers: ClinVar variation 40181 (VCV000040181.6), dbSNP rs1562305058, ClinGen allele CA569582659.

ClinVar aggregate classification (germline): Pathogenic. Review status: criteria provided, single submitter (1 of 4 stars). 2 submissions from 2 submitters: Pathogenic (1). 1 of the submissions does not count toward it. Last evaluated 2023-04-07.

Conditions:
Immunodeficiency-centromeric instability-facial anomalies syndrome 2 (ICF2). Identifiers: Orphanet 2268, MedGen C3279748, MONDO:0013553, OMIM 614069.

Submissions (2):

Labcorp Genetics (formerly Invitae), Labcorp
Classification: Pathogenic for Immunodeficiency-centromeric instability-facial anomalies syndrome 2. Last evaluated: 2023-04-07. Review status: criteria provided, single submitter. Criteria: Invitae Variant Classification Sherloc (09022015). Collection method: clinical testing. Allele origin: germline.
Comment: For these reasons, this variant has been classified as Pathogenic. ClinVar contains an entry for this variant (Variation ID: 40181). This premature translational stop signal has been observed in individual(s) with immunodeficiency-centromeric instability-facial anomalies syndrome (PMID: 21906047). This variant is present in population databases (no rsID available, gnomAD 0.006%). This sequence change creates a premature translational stop signal (p.His132Glnfs*20) in the ZBTB24 gene. It is expected to result in an absent or disrupted protein product. Loss-of-function variants in ZBTB24 are known to be pathogenic (PMID: 21596365).

OMIM
Classification: Pathogenic for IMMUNODEFICIENCY-CENTROMERIC INSTABILITY-FACIAL ANOMALIES SYNDROME 2. Last evaluated: 2012-11-01. Review status: no assertion criteria provided. Collection method: literature only. Allele origin: germline. Not counted in ClinVar's aggregate classification.

Literature cited by the submitters: PubMed 21906047 (cited by Labcorp Genetics (formerly Invitae), Labcorp); PubMed 21596365 (cited by Labcorp Genetics (formerly Invitae), Labcorp); Chouery, E., Abou-Ghoch, J., Corbani, S., El Ali, N., Korban, R., Salem, N., Castro, C., Klayme, S., Azoury-Abou Rjeily, M., Khoury-Matar, R., Debo, G., Germanos-Haddad, M., Delague, V., Lefranc, G., Megarbane, A. A novel deletion in ZBTB24 in a Lebanese family with immunodeficiency, centromeric instability, and facial anomalies syndrome type 2. Clin. Genet. 82: 489-493, 2012. (cited by OMIM).